The following is an entry in ClinVar:

NM_207111.4(RNF216):c.480G>A (p.Pro160=)

Gene: RNF216 (ring finger protein 216; minus strand). Cytogenetic location: 7p22.1.
Variant type: single nucleotide variant.
Coding change: c.480G>A on transcript NM_207111.4 (MANE Select); coding-DNA position 480, G replaced by A.
Protein change: p.Pro160=; no amino-acid change (proline 160 retained).
Molecular consequence: synonymous variant.
Genome position (GRCh38, 1-based): chr7:5,741,537, C>T on the plus strand (G>A on the coding strand, the complement: RNF216 is on the minus strand). VCF-style: chr7-5741537-C-T. GRCh37 (hg19) VCF-style: chr7-5781168-C-T.
Other names: c.309G>A, p.Pro103= (NM_001377156.1, NM_207116.3).
Identifiers: ClinVar variation 3351961 (VCV003351961.1).

ClinVar aggregate classification (germline): Likely benign (0 of 4 stars; one submission).

Conditions:
RNF216-related disorder. Also called: RNF216-related condition.

gnomAD v4.1: 13 of 1,614,030 alleles (0.00081%); highest among the groups gnomAD compares: South Asian, 0.0033%; no homozygotes.

Submission:

PreventionGenetics, part of Exact Sciences
Classification: Likely benign for RNF216-related condition. Last evaluated: 2019-07-01. Review status: no assertion criteria provided. Collection method: clinical testing. Allele origin: germline.
Comment: This variant is classified as likely benign based on ACMG/AMP sequence variant interpretation guidelines (Richards et al. 2015 PMID: 25741868, with internal and published modifications).